The following is an entry in ClinVar:

ClinVar aggregate classification (germline): Pathogenic (1 of 4 stars; one submission).

Submission:

Labcorp Genetics (formerly Invitae), Labcorp
Classification: Pathogenic. Last evaluated: 2022-08-05. Review status: criteria provided, single submitter. Criteria: Invitae Variant Classification Sherloc (09022015). Collection method: clinical testing. Allele origin: germline.
Comment: A gross deletion of the genomic region encompassing the full coding sequence of the EBP gene has been identified. Loss-of-function variants in EBP are known to be pathogenic (PMID: 10391218). The boundaries of this event are unknown as they extend beyond the assayed region for this gene and therefore may encompass additional genes. This variant has not been reported in the literature in individuals affected with EBP-related conditions. For these reasons, this variant has been classified as Pathogenic.

Literature cited by the submitters: PubMed 10391218.

NC_000023.10:g.(?_46466387)_(51241672_?)del

Genes: AKAP4 (A-kinase anchoring protein 4; minus strand), ARAF (A-Raf proto-oncogene, serine/threonine kinase; plus strand), BMP15 (bone morphogenetic protein 15; plus strand), CACNA1F (calcium voltage-gated channel subunit alpha1 F; minus strand), CCDC120 (coiled-coil domain containing 120; plus strand) and 88 more. Cytogenetic location: Xp11.23-11.22.
Variant type: Deletion.
Identifiers: ClinVar variation 2445496 (VCV002445496.1).